The following is an entry in ClinVar:

NM_177438.3(DICER1):c.4438G>A (p.Glu1480Lys)

Gene: DICER1 (dicer 1, ribonuclease III; minus strand). Cytogenetic location: 14q32.13.
Variant type: single nucleotide variant.
Coding change: c.4438G>A on transcript NM_177438.3 (MANE Select); coding-DNA position 4438, G replaced by A.
Protein change: p.Glu1480Lys; replaces glutamic acid 1480 with lysine.
Molecular consequence: missense variant. On other transcripts: non-coding transcript variant (6).
Genome position (GRCh38, 1-based): chr14:95,096,482, C>T on the plus strand (G>A on the coding strand, the complement: DICER1 is on the minus strand). VCF-style: chr14-95096482-C-T. GRCh37 (hg19) VCF-style: chr14-95562819-C-T.
Other names: c.4438G>A, p.Glu1480Lys (NM_001195573.1, NM_001271282.3, NM_001291628.2 and 12 more transcripts); c.4156G>A, p.Glu1386Lys (NM_001395686.1); c.4033G>A, p.Glu1345Lys (NM_001395687.1, NM_001395688.1, NM_001395689.1 and 2 more transcripts); c.3871G>A, p.Glu1291Lys (NM_001395691.1); c.2755G>A, p.Glu919Lys (NM_001395697.1); short protein forms E1345K, E1386K, E1291K, E919K, E1480K.
Identifiers: ClinVar variation 4637207 (VCV004637207.1).

ClinVar aggregate classification (germline): Uncertain significance (1 of 4 stars; one submission).

Conditions:
Hereditary cancer-predisposing syndrome. Also called: Neoplastic Syndromes, Hereditary; Tumor predisposition; Hereditary Cancer Syndrome; Hereditary neoplastic syndrome. Identifiers: Orphanet 140162, MedGen C0027672, MeSH D009386, MONDO:0015356.

Submission:

Ambry Genetics
Classification: Uncertain significance for Hereditary cancer-predisposing syndrome. Last evaluated: 2025-10-16. Review status: criteria provided, single submitter. Criteria: Ambry Variant Classification Scheme 2023. Collection method: clinical testing. Allele origin: germline.
Comment: The p.E1480K variant (also known as c.4438G>A), located in coding exon 22 of the DICER1 gene, results from a G to A substitution at nucleotide position 4438. The glutamic acid at codon 1480 is replaced by lysine, an amino acid with similar properties. This amino acid position is conserved. In addition, this alteration is predicted to be deleterious by in silico analysis. Based on the available evidence, the clinical significance of this variant remains unclear.